The following is an entry in ClinVar:

NM_000548.5(TSC2):c.4308C>T (p.Asp1436=)

Gene: TSC2 (TSC complex subunit 2; plus strand). Cytogenetic location: 16p13.3.
Variant type: single nucleotide variant.
Coding change: c.4308C>T on transcript NM_000548.5 (MANE Select); coding-DNA position 4308, C replaced by T.
Protein change: p.Asp1436=; no amino-acid change (aspartic acid 1436 retained).
Molecular consequence: synonymous variant.
Genome position (GRCh38, 1-based): chr16:2,084,530, C>T. VCF-style: chr16-2084530-C-T. GRCh37 (hg19) VCF-style: chr16-2134531-C-T.
Other names: c.4107C>T, p.Asp1369= (NM_001077183.3); c.4239C>T, p.Asp1413= (NM_001114382.3); c.3999C>T, p.Asp1333= (NM_001318827.2); c.3963C>T, p.Asp1321= (NM_001318829.2); c.3576C>T, p.Asp1192= (NM_001318831.2); c.4140C>T, p.Asp1380= (NM_001318832.2); c.4110C>T, p.Asp1370= (NM_001363528.2); c.4176C>T, p.Asp1392= (NM_001370404.1); and 1 more.
Identifiers: ClinVar variation 50122 (VCV000050122.8), dbSNP rs45517336, ClinGen allele CA020239.

ClinVar aggregate classification (germline): Benign/Likely benign. Review status: criteria provided, multiple submitters, no conflicts (2 of 4 stars). 4 submissions from 4 submitters: Benign (1); Likely benign (2). 1 of the submissions does not count toward it. Last evaluated 2025-07-31.

Conditions:
Tuberous sclerosis syndrome (TSC). Also called: Tuberous Sclerosis Complex; Tuberous sclerosis. Identifiers: Orphanet 805, MedGen C0041341, MONDO:0001734.
Tuberous sclerosis 2 (TSC2). Identifiers: Orphanet 805, MedGen C1860707, MONDO:0013199, OMIM 613254.
Hereditary cancer-predisposing syndrome. Also called: Neoplastic Syndromes, Hereditary; Tumor predisposition; Hereditary Cancer Syndrome; Hereditary neoplastic syndrome. Identifiers: Orphanet 140162, MedGen C0027672, MeSH D009386, MONDO:0015356.

Submissions (4):

Ambry Genetics
Classification: Likely benign for Hereditary cancer-predisposing syndrome. Last evaluated: 2025-07-31. Review status: criteria provided, single submitter. Criteria: Ambry Variant Classification Scheme 2023. Collection method: clinical testing. Allele origin: germline.

Myriad Genetics, Inc.
Classification: Benign for Tuberous sclerosis 2. Last evaluated: 2025-06-03. Review status: criteria provided, single submitter. Criteria: Myriad Autosomal Dominant, Autosomal Recessive and X-Linked Classification Criteria (2023). Collection method: clinical testing. Allele origin: unknown.
Comment: This variant is considered benign. This variant is a silent/synonymous amino acid change and it is not expected to impact splicing.

Labcorp Genetics (formerly Invitae), Labcorp
Classification: Likely benign for Tuberous sclerosis 2. Last evaluated: 2025-05-15. Review status: criteria provided, single submitter. Criteria: Invitae Variant Classification Sherloc (09022015). Collection method: clinical testing. Allele origin: germline.

Tuberous sclerosis database (TSC2)
No classification provided. Condition: TSC. Review status: no classification provided. Criteria: Tuberous Sclerosis Database Assertion Criteria 2015. Collection method: curation. Allele origin: germline. Affected: yes. Not counted in ClinVar's aggregate classification.